The following is an entry in ClinVar:

NM_001040108.2(MLH3):c.484_1141del (p.Met162fs)

Gene: MLH3 (mutL homolog 3; minus strand). Cytogenetic location: 14q24.3.
Variant type: Deletion.
Coding change: c.484_1141del on transcript NM_001040108.2 (MANE Select); coding-DNA positions 484 to 1141, 658 bases deleted.
Protein change: p.Met162fs; shifts the reading frame from methionine 162.
Molecular consequence: frameshift variant.
Genome position (GRCh38, 1-based): chr14:75,048,515-75,049,172, 658 bases deleted. GRCh37 (hg19): chr14:75,515,220-75,515,877.
Other names: c.484_1141del, p.Met162fs (NM_014381.3); short protein forms M162fs.
Identifiers: ClinVar variation 5042308 (VCV005042308.1).

ClinVar aggregate classification (germline): Pathogenic (1 of 4 stars; one submission).

Conditions:
Colorectal cancer, hereditary nonpolyposis, type 7. Identifiers: Orphanet 144, MedGen C1858380, MONDO:0013725, OMIM 614385.

Submission:

Myriad Genetics, Inc.
Classification: Pathogenic for Colorectal cancer, hereditary nonpolyposis, type 7. Last evaluated: 2026-09-30. Review status: criteria provided, single submitter. Criteria: Myriad Autosomal Dominant, Autosomal Recessive and X-Linked Classification Criteria (2023). Collection method: clinical testing. Allele origin: unknown.
Comment: This variant is considered pathogenic. This variant creates a frameshift predicted to result in premature protein truncation.